The following is an entry in ClinVar:

NM_138773.4(SLC25A46):c.344T>C (p.Val115Ala)

Gene: SLC25A46 (solute carrier family 25 member 46; plus strand). Cytogenetic location: 5q22.1.
Variant type: single nucleotide variant.
Coding change: c.344T>C on transcript NM_138773.4 (MANE Select); coding-DNA position 344, T replaced by C.
Protein change: p.Val115Ala; replaces valine 115 with alanine.
Molecular consequence: missense variant. On other transcripts: non-coding transcript variant (1).
Genome position (GRCh38, 1-based): chr5:110,743,747, T>C. VCF-style: chr5-110743747-T-C. GRCh37 (hg19) VCF-style: chr5-110079448-T-C.
Other names: c.344T>C, p.Val115Ala (NM_001303249.3); c.71T>C, p.Val24Ala (NM_001303250.3); short protein forms V24A, V115A.
Identifiers: ClinVar variation 1731554 (VCV001731554.2), dbSNP rs2547520983, ClinGen allele CA360694244.

ClinVar aggregate classification (germline): Uncertain significance (1 of 4 stars; one submission).

Conditions:
Inborn genetic diseases. Identifiers: MedGen C0950123, MeSH D030342.

Submission:

Ambry Genetics
Classification: Uncertain significance for Inborn genetic diseases. Last evaluated: 2021-12-16. Review status: criteria provided, single submitter. Criteria: Ambry Variant Classification Scheme 2023. Collection method: clinical testing. Allele origin: germline.
Comment: The p.V115A variant (also known as c.344T>C), located in coding exon 3 of the SLC25A46 gene, results from a T to C substitution at nucleotide position 344. The valine at codon 115 is replaced by alanine, an amino acid with similar properties. This amino acid position is conserved. In addition, this alteration is predicted to be deleterious by in silico analysis. Since supporting evidence is limited at this time, the clinical significance of this alteration remains unclear.